The following is an entry in ClinVar:

ClinVar aggregate classification (germline): Uncertain significance (1 of 4 stars; one submission).

Conditions:
Progressive microcephaly-seizures-cortical blindness-developmental delay syndrome. Also called: Seizures, cortical blindness, and microcephaly syndrome. Identifiers: Orphanet 477814, MedGen C5567650, MONDO:0014714, OMIM 616632.
Autosomal dominant nonsyndromic hearing loss 1. Also called: KONIGSMARK SYNDROME; DEAFNESS, AUTOSOMAL DOMINANT 1, WITH OR WITHOUT THROMBOCYTOPENIA. Identifiers: Orphanet 90635, MedGen C1852282, MONDO:0007424, OMIM 124900.

Submission:

Labcorp Genetics (formerly Invitae), Labcorp
Classification: Uncertain significance for Progressive microcephaly-seizures-cortical blindness-developmental delay syndrome; Autosomal dominant nonsyndromic hearing loss 1. Last evaluated: 2023-06-09. Review status: criteria provided, single submitter. Criteria: Invitae Variant Classification Sherloc (09022015). Collection method: clinical testing. Allele origin: germline.
Comment: This sequence change replaces leucine, which is neutral and non-polar, with phenylalanine, which is neutral and non-polar, at codon 894 of the DIAPH1 protein (p.Leu894Phe). In summary, the available evidence is currently insufficient to determine the role of this variant in disease. Therefore, it has been classified as a Variant of Uncertain Significance. An algorithm developed to predict the effect of missense changes on protein structure and function (PolyPhen-2) suggests that this variant is likely to be disruptive. This variant is not present in population databases (gnomAD no frequency). This variant has not been reported in the literature in individuals affected with DIAPH1-related conditions.

NM_005219.5(DIAPH1):c.2680C>T (p.Leu894Phe)

Gene: DIAPH1 (diaphanous related formin 1; minus strand). Cytogenetic location: 5q31.3.
Variant type: single nucleotide variant.
Coding change: c.2680C>T on transcript NM_005219.5 (MANE Select); coding-DNA position 2680, C replaced by T.
Protein change: p.Leu894Phe; replaces leucine 894 with phenylalanine.
Molecular consequence: missense variant.
Genome position (GRCh38, 1-based): chr5:141,529,270, G>A on the plus strand (C>T on the coding strand, the complement: DIAPH1 is on the minus strand). VCF-style: chr5-141529270-G-A. GRCh37 (hg19) VCF-style: chr5-140908837-G-A.
Other names: c.2653C>T, p.Leu885Phe (NM_001079812.3); c.2680C>T, p.Leu894Phe (NM_001314007.2); short protein forms L885F, L894F.
Identifiers: ClinVar variation 2943912 (VCV002943912.3), dbSNP rs2513626754, ClinGen allele CA361586108.